The following is an entry in ClinVar:

NM_006846.4(SPINK5):c.695_696del (p.Val232fs)

Gene: SPINK5 (serine peptidase inhibitor Kazal type 5; plus strand). Cytogenetic location: 5q32.
Variant type: Deletion.
Coding change: c.695_696del on transcript NM_006846.4 (MANE Select); coding-DNA positions 695 to 696, 2 bases deleted (TG; older notation c.695_696delTG).
Protein change: p.Val232fs; shifts the reading frame from valine 232.
Molecular consequence: frameshift variant.
Genome position (GRCh38, 1-based): chr5:148,094,382-148,094,383, TG deleted; deleting any 2 consecutive bases within chr5:148,094,381-148,094,383 gives the same sequence; the c. name uses the placement nearest the transcript's 3' end. VCF-style (leftmost placement, unchanged base first): chr5-148094380-AGT-A. GRCh37 (hg19) VCF-style: chr5-147473943-AGT-A.
Other names: c.695_696del, p.Val232fs (NM_001127698.2, NM_001127699.2); short protein forms V232fs.
Identifiers: ClinVar variation 2029653 (VCV002029653.4), dbSNP rs2531706238, ClinGen allele CA2580073024.
Genomic context (GRCh38, chr5:148,094,380, plus strand): 5'-ATGAAGTAAAATAAATATAATTGTCTTTTCAAAGGATTTTTGCAAGGAATATGAAAAACA[AGT>A]GAGAAATGGAAGGCTTTTTTGTACACGGGAGAGTGATCCAGTCCGTGGCCCTGACGGCAG-3'

ClinVar aggregate classification (germline): Pathogenic (1 of 4 stars; one submission).

Conditions:
Ichthyosis linearis circumflexa. Identifiers: MedGen C0265962, MONDO:0043106, HP:0025810.

Submission:

Labcorp Genetics (formerly Invitae), Labcorp
Classification: Pathogenic for Ichthyosis linearis circumflexa. Last evaluated: 2022-09-09. Review status: criteria provided, single submitter. Criteria: Invitae Variant Classification Sherloc (09022015). Collection method: clinical testing. Allele origin: germline.
Comment: This sequence change creates a premature translational stop signal (p.Val232Glufs*12) in the SPINK5 gene. It is expected to result in an absent or disrupted protein product. Loss-of-function variants in SPINK5 are known to be pathogenic (PMID: 11511292, 11841556). For these reasons, this variant has been classified as Pathogenic. This variant has not been reported in the literature in individuals affected with SPINK5-related conditions. This variant is not present in population databases (gnomAD no frequency).

Literature cited by the submitters: PubMed 11511292; PubMed 11841556.